The following is an entry in ClinVar:

ClinVar aggregate classification (germline): Benign. Review status: criteria provided, multiple submitters, no conflicts (2 of 4 stars). 2 submissions from 2 submitters: Benign (2). Last evaluated 2024-10-02.

Conditions:
POU6F2-related disorder. Also called: POU6F2-related condition.

Allele frequency attached by ClinVar (database versions not stated): gnomAD exomes 0.00112; ExAC 0.00168; 1000 Genomes Project 0.00280; 1000 Genomes Project 30x 0.00281; gnomAD 0.00380 and 0.00402; TOPMed 0.00420; ESP Exome Variant Server 0.00454.
gnomAD v4.1: 1,214 of 1,610,798 alleles (0.075%); highest among the groups gnomAD compares: African/African-American, 1.3%; 5 homozygotes.

Submissions (4):

PreventionGenetics, part of Exact Sciences
Classification: Benign for POU6F2-related condition. Last evaluated: 2024-10-02. Review status: criteria provided, single submitter. Criteria: ACMG Guidelines, 2015. Collection method: clinical testing. Allele origin: germline.
Comment: This variant is classified as benign based on ACMG/AMP sequence variant interpretation guidelines (Richards et al. 2015 PMID: 25741868, with internal and published modifications).

Labcorp Genetics (formerly Invitae), Labcorp
Classification: Benign. Last evaluated: 2019-12-31. Review status: criteria provided, single submitter. Criteria: Invitae Variant Classification Sherloc (09022015). Collection method: clinical testing. Allele origin: germline.

Dr. Peter K. Rogan Lab, Western University
No classification provided (evidence only). Condition: Cervical cancer. Review status: no classification provided. Collection method: in vitro. Allele origin: not applicable. Functional consequence: retained intron. Not counted in ClinVar's aggregate classification.

Dr. Peter K. Rogan Lab, Western University
No classification provided (evidence only). Condition: Hepatocellular carcinoma. Review status: no classification provided. Collection method: in vitro. Allele origin: not applicable. Functional consequence: retained intron. Not counted in ClinVar's aggregate classification.

NM_001370959.1(POU6F2):c.821C>T (p.Ala274Val)

Gene: POU6F2 (POU class 6 homeobox 2; plus strand). Cytogenetic location: 7p14.1.
Variant type: single nucleotide variant.
Coding change: c.821C>T on transcript NM_001370959.1 (MANE Select); coding-DNA position 821, C replaced by T.
Protein change: p.Ala274Val; replaces alanine 274 with valine.
Molecular consequence: missense variant.
Genome position (GRCh38, 1-based): chr7:39,339,864, C>T. VCF-style: chr7-39339864-C-T. GRCh37 (hg19) VCF-style: chr7-39379463-C-T.
Other names: NC_000007.13:g.39379463C>T; c.734C>T, p.Ala245Val (NM_001166018.2, NM_007252.4); short protein forms A274V, A245V.
Identifiers: ClinVar variation 719958 (VCV000719958.6), dbSNP rs150071017, ClinGen allele CA4227630.